The following is an entry in ClinVar:

ClinVar aggregate classification (germline): Uncertain significance (1 of 4 stars; one submission).

Submission:

GeneDx
Classification: Uncertain significance. Last evaluated: 2024-04-30. Review status: criteria provided, single submitter. Criteria: GeneDx Variant Classification Process June 2021. Collection method: clinical testing. Allele origin: germline. Affected: yes.
Comment: Not observed at significant frequency in large population cohorts (gnomAD); In silico analysis indicates that this missense variant does not alter protein structure/function; Has not been previously published as pathogenic or benign to our knowledge

NM_003718.5(CDK13):c.3208T>C (p.Ser1070Pro)

Gene: CDK13 (cyclin dependent kinase 13; plus strand). Cytogenetic location: 7p14.1.
Variant type: single nucleotide variant.
Coding change: c.3208T>C on transcript NM_003718.5 (MANE Select); coding-DNA position 3208, T replaced by C.
Protein change: p.Ser1070Pro; replaces serine 1070 with proline.
Molecular consequence: missense variant.
Genome position (GRCh38, 1-based): chr7:40,088,304, T>C. VCF-style: chr7-40088304-T-C. GRCh37 (hg19) VCF-style: chr7-40127903-T-C.
Other names: c.3208T>C, p.Ser1070Pro (NM_031267.4); short protein forms S1070P.
Identifiers: ClinVar variation 3375840 (VCV003375840.1).